The following is an entry in ClinVar:

ClinVar aggregate classification (germline): Conflicting classifications of pathogenicity. Review status: criteria provided, conflicting classifications (1 of 4 stars). 6 submissions from 6 submitters: Uncertain significance (3); Likely benign (3). Last evaluated 2026-05-27.

Conditions:
Inborn genetic diseases. Identifiers: MedGen C0950123, MeSH D030342.
Congenital myasthenic syndrome 8. Also called: Myasthenic syndrome, congenital, 8, with pre- and postsynaptic defects; MYASTHENIC SYNDROME, CONGENITAL, DUE TO AGRIN DEFICIENCY. Identifiers: Orphanet 590, MedGen C3808739, MONDO:0014052, OMIM 615120.
AGRN-related disorder. Also called: AGRN-related condition.

Allele frequency attached by ClinVar (database versions not stated): gnomAD 0.00117 and 0.00104; gnomAD exomes 0.00011 and 0.00029; ExAC 0.00054; 1000 Genomes Project 0.00060; ESP Exome Variant Server 0.00074; 1000 Genomes Project 30x 0.00078; TOPMed 0.00114.

Submissions (6):

PreventionGenetics, part of Exact Sciences
Classification: Likely benign for AGRN-related condition. Last evaluated: 2026-05-27. Review status: criteria provided, single submitter. Criteria: ACMG Guidelines, 2015. Collection method: clinical testing. Allele origin: germline.
Comment: This variant is classified as likely benign based on ACMG/AMP sequence variant interpretation guidelines (Richards et al. 2015 PMID: 25741868, with internal and published modifications).

Labcorp Genetics (formerly Invitae), Labcorp
Classification: Likely benign for Congenital myasthenic syndrome 8. Last evaluated: 2026-01-04. Review status: criteria provided, single submitter. Criteria: Invitae Variant Classification Sherloc (09022015). Collection method: clinical testing. Allele origin: germline.

Women's Health and Genetics/Laboratory Corporation of America, LabCorp
Classification: Likely benign. Last evaluated: 2025-09-30. Review status: criteria provided, single submitter. Criteria: LabCorp Variant Classification Summary - May 2015. Collection method: clinical testing. Allele origin: germline.
Comment: Variant summary: AGRN c.4694A>G (p.Gln1565Arg) results in a conservative amino acid change in the encoded protein sequence. Algorithms developed to predict the effect of missense changes on protein structure and function are either unavailable or do not agree on the potential impact of this missense change. The variant allele was found at a frequency of 0.00029 in 185434 control chromosomes, predominantly at a frequency of 0.0042 within the African or African-American subpopulation in the gnomAD database. The observed variant frequency within African or African-American control individuals in the gnomAD database exceeds the estimated maximal expected allele frequency for disease-causing variants in AGRN. To our knowledge, no occurrence of c.4694A>G in individuals affected with AGRN-related conditions and no experimental evidence demonstrating its impact on protein function have been reported. ClinVar contains an entry for this variant (Variation ID: 705031). Based on the evidence outlined above, the variant was classified as likely benign.

Mayo Clinic Laboratories, Mayo Clinic
Classification: Uncertain significance. Last evaluated: 2025-07-31. Review status: criteria provided, single submitter. Criteria: ACMG Guidelines, 2015. Collection method: clinical testing. Allele origin: germline. Observed: 2 variant alleles.

Revvity Omics, Revvity
Classification: Uncertain significance for Congenital myasthenic syndrome 8. Last evaluated: 2025-02-24. Review status: criteria provided, single submitter. Criteria: ACMG Guidelines, 2015. Collection method: clinical testing. Allele origin: germline.

Ambry Genetics
Classification: Uncertain significance for Inborn genetic diseases. Last evaluated: 2024-11-12. Review status: criteria provided, single submitter. Criteria: Ambry Variant Classification Scheme 2023. Collection method: clinical testing. Allele origin: germline.

NM_198576.4(AGRN):c.4694A>G (p.Gln1565Arg)

Gene: AGRN (agrin; plus strand). Cytogenetic location: 1p36.33.
Variant type: single nucleotide variant.
Coding change: c.4694A>G on transcript NM_198576.4 (MANE Select); coding-DNA position 4694, A replaced by G.
Protein change: p.Gln1565Arg; replaces glutamine 1565 with arginine.
Molecular consequence: missense variant.
Genome position (GRCh38, 1-based): chr1:1,049,745, A>G. VCF-style: chr1-1049745-A-G. GRCh37 (hg19) VCF-style: chr1-985125-A-G.
Other names: p.Gln1565Arg; c.4694A>G, p.Gln1565Arg (NM_001305275.2); c.4379A>G, p.Gln1460Arg (NM_001364727.2); short protein forms Q1565R, Q1460R.
Identifiers: ClinVar variation 705031 (VCV000705031.17), dbSNP rs201818235, ClinGen allele CA509572.